The following is an entry in ClinVar:

NM_004320.6(ATP2A1):c.88A>C (p.Lys30Gln)

Gene: ATP2A1 (ATPase sarcoplasmic/endoplasmic reticulum Ca2+ transporting 1; plus strand). Cytogenetic location: 16p11.2.
Variant type: single nucleotide variant.
Coding change: c.88A>C on transcript NM_004320.6 (MANE Select); coding-DNA position 88, A replaced by C.
Protein change: p.Lys30Gln; replaces lysine 30 with glutamine.
Molecular consequence: missense variant.
Genome position (GRCh38, 1-based): chr16:28,878,759, A>C. VCF-style: chr16-28878759-A-C. GRCh37 (hg19) VCF-style: chr16-28890080-A-C.
Other names: c.88A>C, p.Lys30Gln (NM_173201.5); short protein forms K30Q.
Identifiers: ClinVar variation 1378887 (VCV001378887.5), dbSNP rs777070879, ClinGen allele CA7986487.

ClinVar aggregate classification (germline): Uncertain significance (1 of 4 stars; one submission).

Conditions:
Brody myopathy. Also called: BRODY DISEASE. Identifiers: Orphanet 53347, MedGen C1832918, MONDO:0010977, OMIM 601003.

Allele frequency attached by ClinVar (database versions not stated): ExAC 0.00001; gnomAD 0.00001; gnomAD exomes 0.00001; TOPMed 0.00002.

Submission:

Labcorp Genetics (formerly Invitae), Labcorp
Classification: Uncertain significance for Brody myopathy. Last evaluated: 2021-09-24. Review status: criteria provided, single submitter. Criteria: Invitae Variant Classification Sherloc (09022015). Collection method: clinical testing. Allele origin: germline.
Comment: This sequence change replaces lysine with glutamine at codon 30 of the ATP2A1 protein (p.Lys30Gln). The lysine residue is moderately conserved and there is a small physicochemical difference between lysine and glutamine. This variant is present in population databases (rs777070879, ExAC 0.002%). This variant has not been reported in the literature in individuals with ATP2A1-related conditions. Algorithms developed to predict the effect of missense changes on protein structure and function are either unavailable or do not agree on the potential impact of this missense change (SIFT: "Deleterious"; PolyPhen-2: "Benign"; Align-GVGD: "Class C0"). In summary, the available evidence is currently insufficient to determine the role of this variant in disease. Therefore, it has been classified as a Variant of Uncertain Significance.